The following is an entry in ClinVar:

ClinVar aggregate classification (germline): Pathogenic (1 of 4 stars; one submission).

Conditions:
Dihydropyrimidine dehydrogenase deficiency (DPYDD). Also called: DPD DEFICIENCY; DPYD DEFICIENCY; Hereditary Thymine-Uraciluria. Identifiers: Orphanet 1675, MedGen C1959620, MONDO:0010130, OMIM 274270.

Submission:

Myriad Genetics, Inc.
Classification: Pathogenic for Dihydropyrimidine dehydrogenase deficiency. Last evaluated: 2026-04-15. Review status: criteria provided, single submitter. Criteria: Myriad Autosomal Dominant, Autosomal Recessive and X-Linked Classification Criteria (2023). Collection method: clinical testing. Allele origin: unknown.
Comment: NM_000110.3(DPYD):c.2197dupA(T733Nfs*15) is a frameshift variant classified as pathogenic in the context of dihydropyrimidine dehydrogenase deficiency. T733Nfs*15 has been observed in a case with relevant disease (PMID: 34442436). Relevant functional assessments of this variant are not available in the literature. T733Nfs*15 has not been observed in referenced population frequency databases. . Please note: this variant was assessed in the context of healthy population screening.

Literature cited by the submitters: PubMed 34442436.

NM_000110.4(DPYD):c.2197dup (p.Thr733fs)

Genes: DPYD (dihydropyrimidine dehydrogenase; minus strand), DPYD-AS1 (DPYD antisense RNA 1; plus strand). Cytogenetic location: 1p21.3.
Variant type: Duplication.
Coding change: c.2197dup on transcript NM_000110.4 (MANE Select); coding-DNA position 2197, one base duplicated (A; older notation c.2197dupA).
Protein change: p.Thr733fs; shifts the reading frame from threonine 733.
Molecular consequence: frameshift variant.
Genome position (GRCh38, 1-based): chr1:97,305,361, T duplicated on the plus strand (A on the coding strand, the reverse complement: DPYD is on the minus strand). VCF-style (leftmost placement, unchanged base first): chr1-97305360-G-GT. GRCh37 (hg19) VCF-style: chr1-97770916-G-GT.
Other names: short protein forms T733fs.
Identifiers: ClinVar variation 5003476 (VCV005003476.1).
Genomic context (GRCh38, chr1:97,305,360, plus strand): 5'-GCTGGCCAAGGTGTGCCATCAGATTTTAATCCCATCAGACCTGAGACAGTGTTGGTGGCT[G>GT]TAACGCCATTGGCACCACCTATGCAAGACACATCAACATTTTCATGCAGCTCTTATAAGA-3'